The following is an entry in ClinVar:

NM_000135.4(FANCA):c.1172C>A (p.Ser391Tyr)

Gene: FANCA (FA complementation group A; minus strand). Cytogenetic location: 16q24.3.
Variant type: single nucleotide variant.
Coding change: c.1172C>A on transcript NM_000135.4 (MANE Select); coding-DNA position 1172, C replaced by A.
Protein change: p.Ser391Tyr; replaces serine 391 with tyrosine.
Molecular consequence: missense variant.
Genome position (GRCh38, 1-based): chr16:89,791,980, G>T on the plus strand (C>A on the coding strand, the complement: FANCA is on the minus strand). VCF-style: chr16-89791980-G-T. GRCh37 (hg19) VCF-style: chr16-89858388-G-T.
Other names: c.1172C>A, p.Ser391Tyr (NM_001286167.3); short protein forms S391Y.
Identifiers: ClinVar variation 3512734 (VCV003512734.1).

ClinVar aggregate classification (germline): Uncertain significance (1 of 4 stars; one submission).

Conditions:
Inborn genetic diseases. Identifiers: MedGen C0950123, MeSH D030342.

Submission:

Ambry Genetics
Classification: Uncertain significance for Inborn genetic diseases. Last evaluated: 2024-12-10. Review status: criteria provided, single submitter. Criteria: Ambry Variant Classification Scheme 2023. Collection method: clinical testing. Allele origin: germline.
Comment: The p.S391Y variant (also known as c.1172C>A), located in coding exon 13 of the FANCA gene, results from a C to A substitution at nucleotide position 1172. The serine at codon 391 is replaced by tyrosine, an amino acid with dissimilar properties. This amino acid position is conserved. In addition, the in silico prediction for this alteration is inconclusive. Based on the available evidence, the clinical significance of this variant remains unclear.